The following is an entry in ClinVar:

NM_000021.4(PSEN1):c.*230G>T

Gene: PSEN1 (presenilin 1; plus strand). Cytogenetic location: 14q24.2.
Variant type: single nucleotide variant.
Coding change: c.*230G>T on transcript NM_000021.4 (MANE Select); 230 bases downstream of the stop codon, G replaced by T.
Molecular consequence: 3 prime UTR variant.
Genome position (GRCh38, 1-based): chr14:73,219,519, G>T. VCF-style: chr14-73219519-G-T. GRCh37 (hg19) VCF-style: chr14-73686227-G-T.
Other names: c.*230G>T (NM_007318.3).
Identifiers: ClinVar variation 887628 (VCV000887628.33), dbSNP rs200692223, ClinGen allele CA262621086.

ClinVar aggregate classification (germline): Conflicting classifications of pathogenicity. Review status: criteria provided, conflicting classifications (1 of 4 stars). 3 submissions from 2 submitters: Uncertain significance (1); Likely benign (2). Last evaluated 2022-12-01.

Conditions:
Alzheimer disease 3 (AD3). Also called: ALZHEIMER DISEASE, FAMILIAL, 3. Identifiers: Orphanet 1020, MedGen C1843013, MONDO:0011913, OMIM 607822.
Dilated cardiomyopathy 1U. Identifiers: Orphanet 154, MedGen C3160720, MONDO:0013371, OMIM 613694.

Allele frequency attached by ClinVar (database versions not stated): gnomAD 0.00049 and 0.00054; TOPMed 0.00053; 1000 Genomes Project 0.00080; 1000 Genomes Project 30x 0.00094.
gnomAD v4.1: 361 of 530,740 alleles (0.068%); highest among the groups gnomAD compares: South Asian, 0.15%; 1 homozygote.

Submissions (3):

CeGaT Center for Human Genetics Tuebingen
Classification: Likely benign. Last evaluated: 2022-12-01. Review status: criteria provided, single submitter. Criteria: CeGaT Center For Human Genetics Tuebingen Variant Classification Criteria Version 2. Collection method: clinical testing. Allele origin: germline. Affected: yes. Observed: 1 variant allele.
Comment: PSEN1: BS1

Illumina Laboratory Services, Illumina
Classification: Likely benign for Alzheimer disease 3. Last evaluated: 2017-05-17. Review status: criteria provided, single submitter. Criteria: ICSL Variant Classification Criteria 13 December 2019. Collection method: clinical testing. Allele origin: germline.
Comment: This variant was observed as part of a predisposition screen in an ostensibly healthy population. A literature search was performed for the gene, cDNA change, and amino acid change (where applicable). No publications were found based on this search. Allele frequency data from public databases allowed determination this variant is unlikely to cause disease. Therefore, this variant is classified as likely benign.

Illumina Laboratory Services, Illumina
Classification: Uncertain significance for Dilated cardiomyopathy 1U. Last evaluated: 2017-04-27. Review status: criteria provided, single submitter. Criteria: ICSL Variant Classification Criteria 13 December 2019. Collection method: clinical testing. Allele origin: germline.